The following is an entry in ClinVar:

NM_130384.3(ATRIP):c.293C>T (p.Pro98Leu)

Genes: ATRIP (ATR interacting protein; plus strand), ATRIP-TREX1 (ATRIP-TREX1 readthrough; plus strand). Cytogenetic location: 3p21.31.
Variant type: single nucleotide variant.
Coding change: c.293C>T on transcript NM_130384.3 (MANE Select); coding-DNA position 293, C replaced by T.
Protein change: p.Pro98Leu; replaces proline 98 with leucine.
Molecular consequence: missense variant. On other transcripts: non-coding transcript variant (1), 5 prime UTR variant (1).
Genome position (GRCh38, 1-based): chr3:48,450,082, C>T. VCF-style: chr3-48450082-C-T. GRCh37 (hg19) VCF-style: chr3-48491488-C-T.
Other names: c.293C>T (NM_130384.1); c.-172C>T (NM_001271022.2); c.14C>T, p.Pro5Leu (NM_001271023.2); c.293C>T, p.Pro98Leu (NM_032166.4); short protein forms P98L, P5L.
Identifiers: ClinVar variation 2904442 (VCV002904442.4), dbSNP rs1359226906, ClinGen allele CA352706825.

ClinVar aggregate classification (germline): Uncertain significance. Review status: criteria provided, multiple submitters, no conflicts (2 of 4 stars). 2 submissions from 2 submitters: Uncertain significance (2). Last evaluated 2024-12-04.

Allele frequency attached by ClinVar (database versions not stated): gnomAD exomes below 0.00001; TOPMed below 0.00001; gnomAD 0.00001.
gnomAD v4.1: 4 of 1,613,312 alleles (0.00025%); highest among the groups gnomAD compares: Admixed American, 0.0033%; no homozygotes.

Submissions (2):

Ambry Genetics
Classification: Uncertain significance. Last evaluated: 2024-12-04. Review status: criteria provided, single submitter. Criteria: Ambry Variant Classification Scheme 2023. Collection method: clinical testing. Allele origin: germline.
Comment: The p.P98L variant (also known as c.293C>T), located in coding exon 2 of the ATRIP gene, results from a C to T substitution at nucleotide position 293. The proline at codon 98 is replaced by leucine, an amino acid with similar properties. This amino acid position is conserved. In addition, this alteration is predicted to be tolerated by in silico analysis. Based on the available evidence, the clinical significance of this variant remains unclear.

Labcorp Genetics (formerly Invitae), Labcorp
Classification: Uncertain significance. Last evaluated: 2023-08-03. Review status: criteria provided, single submitter. Criteria: Invitae Variant Classification Sherloc (09022015). Collection method: clinical testing. Allele origin: germline.
Comment: This variant is present in population databases (no rsID available, gnomAD 0.003%). This sequence change replaces proline, which is neutral and non-polar, with leucine, which is neutral and non-polar, at codon 98 of the ATRIP protein (p.Pro98Leu). This variant has not been reported in the literature in individuals affected with ATRIP-related conditions. In summary, the available evidence is currently insufficient to determine the role of this variant in disease. Therefore, it has been classified as a Variant of Uncertain Significance. Algorithms developed to predict the effect of sequence changes on RNA splicing suggest that this variant may create or strengthen a splice site. An algorithm developed to predict the effect of missense changes on protein structure and function (PolyPhen-2) suggests that this variant is likely to be tolerated.